The following is an entry in ClinVar:

NM_000136.3(FANCC):c.1485G>A (p.Leu495=)

Genes: AOPEP (aminopeptidase O (putative); plus strand), FANCC (FA complementation group C; minus strand). Cytogenetic location: 9q22.32.
Variant type: single nucleotide variant.
Coding change: c.1485G>A on transcript NM_000136.3 (MANE Select); coding-DNA position 1485, G replaced by A.
Protein change: p.Leu495=; no amino-acid change (leucine 495 retained).
Molecular consequence: synonymous variant.
Genome position (GRCh38, 1-based): chr9:95,107,114, C>T on the plus strand (G>A on the coding strand, the complement: FANCC is on the minus strand). VCF-style: chr9-95107114-C-T. GRCh37 (hg19) VCF-style: chr9-97869396-C-T.
Other names: p.L495L:CTG>CTA; c.1485G>A, p.Leu495= (NM_001243743.2).
Identifiers: ClinVar variation 137285 (VCV000137285.38), dbSNP rs56082100, ClinGen allele CA290832.

ClinVar aggregate classification (germline): Benign/Likely benign. Review status: criteria provided, multiple submitters, no conflicts (2 of 4 stars). 14 submissions from 14 submitters: Benign (4); Likely benign (8). 2 of the submissions do not count toward it. Last evaluated 2026-02-01.

Conditions:
Hereditary cancer-predisposing syndrome. Also called: Neoplastic Syndromes, Hereditary; Hereditary Cancer Syndrome; Tumor predisposition; Hereditary neoplastic syndrome. Identifiers: Orphanet 140162, MedGen C0027672, MeSH D009386, MONDO:0015356.
Fanconi anemia (FA). Also called: Fanconi's anemia. Identifiers: Orphanet 84, MedGen C0015625, MeSH D005199, MONDO:0019391.
Fanconi anemia complementation group C (FANCC). Also called: FANCONI PANCYTOPENIA, TYPE 3; FACC; FANCC-Related Fanconi Anemia; Fanconi anemia, group C. Identifiers: Orphanet 84, MedGen C3468041, MONDO:0009213, OMIM 227645.
Malignant tumor of breast. Also called: Malignant breast neoplasm; Cancer breast. Identifiers: MedGen C0006142, MONDO:0007254. Disease mechanism: loss of function.

Allele frequency attached by ClinVar (database versions not stated): ESP Exome Variant Server 0.00223; TOPMed 0.00176; 1000 Genomes Project 30x 0.00312; 1000 Genomes Project 0.00339.
gnomAD v4.1: 526 of 1,614,158 alleles (0.033%); highest among the groups gnomAD compares: African/African-American, 0.6%; 1 homozygote.

Submissions (14):

Labcorp Genetics (formerly Invitae), Labcorp
Classification: Benign for Fanconi anemia. Last evaluated: 2026-02-01. Review status: criteria provided, single submitter. Criteria: Invitae Variant Classification Sherloc (09022015). Collection method: clinical testing. Allele origin: germline.

Quest Diagnostics Nichols Institute San Juan Capistrano
Classification: Benign. Last evaluated: 2025-09-05. Review status: criteria provided, single submitter. Criteria: Quest Diagnostics criteria. Collection method: clinical testing. Allele origin: unknown.

Blueprint Genetics
Classification: Likely benign. Last evaluated: 2024-09-13. Review status: criteria provided, single submitter. Criteria: ACMG Guidelines, 2015. Collection method: clinical testing. Allele origin: germline.

ARUP Laboratories, Molecular Genetics and Genomics, ARUP Laboratories
Classification: Likely benign for Fanconi anemia complementation group C. Last evaluated: 2023-12-07. Review status: criteria provided, single submitter. Criteria: ARUP Molecular Germline Variant Investigation Process 2024. Collection method: clinical testing. Allele origin: germline.

KCCC/NGS Laboratory, Kuwait Cancer Control Center
Classification: Benign for Fanconi anemia complementation group C. Last evaluated: 2023-07-07. Review status: criteria provided, single submitter. Criteria: ACMG Guidelines, 2015. Collection method: clinical testing. Allele origin: germline. Affected: yes.

Women's Health and Genetics/Laboratory Corporation of America, LabCorp
Classification: Likely benign. Last evaluated: 2022-04-19. Review status: criteria provided, single submitter. Criteria: LabCorp Variant Classification Summary - May 2015. Collection method: clinical testing. Allele origin: germline.

Fulgent Genetics
Classification: Likely benign for Fanconi anemia complementation group C. Last evaluated: 2021-07-29. Review status: criteria provided, single submitter. Criteria: ACMG Guidelines, 2015. Collection method: clinical testing. Allele origin: unknown.

Sema4
Classification: Likely benign for Fanconi anemia. Last evaluated: 2021-02-03. Review status: criteria provided, single submitter. Criteria: Sema4 Curation Guidelines. Collection method: curation. Allele origin: germline.

Illumina Laboratory Services, Illumina
Classification: Likely benign for Fanconi anemia complementation group C. Last evaluated: 2018-01-13. Review status: criteria provided, single submitter. Criteria: ICSL Variant Classification Criteria 13 December 2019. Collection method: clinical testing. Allele origin: germline.
Comment: This variant was observed in the ICSL laboratory as part of a predisposition screen in an ostensibly healthy population. It had not been previously curated by ICSL or reported in the Human Gene Mutation Database (HGMD: prior to June 1st, 2018), and was therefore a candidate for classification through an automated scoring system. Utilizing variant allele frequency, disease prevalence and penetrance estimates, and inheritance mode, an automated score was calculated to assess if this variant is too frequent to cause the disease. Based on the score and internal cut-off values, a variant classified as likely benign is not then subjected to further curation. The score for this variant resulted in a classification of likely benign for this disease.

Ambry Genetics
Classification: Likely benign for Hereditary cancer-predisposing syndrome. Last evaluated: 2017-08-19. Review status: criteria provided, single submitter. Criteria: Ambry Variant Classification Scheme 2023. Collection method: clinical testing. Allele origin: germline.

Eurofins Ntd Llc (ga)
Classification: Likely benign. Last evaluated: 2016-08-29. Review status: criteria provided, single submitter. Criteria: EGL Classification Definitions 2015. Collection method: clinical testing. Allele origin: germline. Observed: 1 variant allele, 1 heterozygote.

GeneDx
Classification: Benign. Last evaluated: 2014-02-05. Review status: criteria provided, single submitter. Criteria: GeneDx Variant Classification (06012015). Collection method: clinical testing. Allele origin: germline. Affected: yes.
Comment: This variant is considered likely benign or benign based on one or more of the following criteria: it is a conservative change, it occurs at a poorly conserved position in the protein, it is predicted to be benign by multiple in silico algorithms, and/or has population frequency not consistent with disease.

Natera, Inc.
Classification: Likely benign for Fanconi anemia. Last evaluated: 2018-04-10. Review status: no assertion criteria provided. Collection method: clinical testing. Allele origin: germline. Not counted in ClinVar's aggregate classification.

Department of Pathology and Laboratory Medicine, Sinai Health System
Classification: Likely benign for Malignant tumor of breast. Review status: no assertion criteria provided. Collection method: clinical testing. Allele origin: unknown. Affected: yes. Study: The Canadian Open Genetics Repository (COGR). Not counted in ClinVar's aggregate classification.
Comment: The FANCC p.Leu495= variant was not identified in the literature nor was it identified in the LOVD 3.0 database. The variant was identified in dbSNP (rs56082100) as â€šÃ„Ãºwith likely benign, other alleleâ€šÃ„Ã¹ and ClinVar (classified as benign by Invitae and GeneDx; and as likely benign by Ambry Genetics and Eurofins). The variant was identified in control databases in 161 of 282,768 chromosomes at a frequency of 0.0006 (Genome Aggregation Database Feb 27, 2017). The variant was observed in the following populations: African in 153 of 24,950 chromosomes (freq: 0.006), Latino in 7 of 35,438 chromosomes (freq: 0.0002), and Other in 1 of 7220 chromosomes (freq: 0.0001); it was not observed in the Ashkenazi Jewish, East Asian, Finnish, European or South Asian populations. The p.Leu495= variant is not expected to have clinical significance because it does not result in a change of amino acid and is not located in a known consensus splice site. The variant occurs at a non-highly conserved nucleotide outside of the splicing consensus sequence and in silico or computational prediction software programs (SpliceSiteFinder, MaxEntScan, NNSPLICE, GeneSplicer) do not predict a difference in splicing. In summary, based on the above information, the clinical significance of this variant cannot be determined with certainty at this time although we would lean towards a more benign role for this variant. This variant is classified as likely benign.